The following is an entry in ClinVar:

ClinVar aggregate classification (germline): Likely benign. Review status: criteria provided, multiple submitters, no conflicts (2 of 4 stars). 4 submissions from 4 submitters: Likely benign (4). Last evaluated 2025-09-27.

Conditions:
Hereditary cancer-predisposing syndrome. Also called: Hereditary neoplastic syndrome; Tumor predisposition; Neoplastic Syndromes, Hereditary; Hereditary Cancer Syndrome. Identifiers: Orphanet 140162, MedGen C0027672, MeSH D009386, MONDO:0015356.
Hereditary diffuse gastric adenocarcinoma (HDGC). Also called: DIFFUSE GASTRIC AND LOBULAR BREAST CANCER SYNDROME. Identifiers: Orphanet 26106, MedGen C1708349, MONDO:0007648, OMIM 137215.

Allele frequency attached by ClinVar (database versions not stated): ExAC 0.00001; gnomAD exomes 0.00001; TOPMed 0.00001.
gnomAD v4.1: 3 of 1,610,450 alleles (0.00019%); highest among the groups gnomAD compares: African/African-American, 0.0027%; no homozygotes.

Submissions (4):

Labcorp Genetics (formerly Invitae), Labcorp
Classification: Likely benign for Hereditary diffuse gastric adenocarcinoma. Last evaluated: 2025-09-27. Review status: criteria provided, single submitter. Criteria: Invitae Variant Classification Sherloc (09022015). Collection method: clinical testing. Allele origin: germline.

Myriad Genetics, Inc.
Classification: Likely benign for Hereditary diffuse gastric adenocarcinoma. Last evaluated: 2024-09-23. Review status: criteria provided, single submitter. Criteria: Myriad Autosomal Dominant, Autosomal Recessive and X-Linked Classification Criteria (2023). Collection method: clinical testing. Allele origin: unknown.
Comment: This variant is considered likely benign. This variant is intronic and is not expected to impact mRNA splicing.

Color Diagnostics, LLC DBA Color Health
Classification: Likely benign for Hereditary cancer-predisposing syndrome. Last evaluated: 2018-05-11. Review status: criteria provided, single submitter. Criteria: ACMG Guidelines, 2015. Collection method: clinical testing. Allele origin: germline.

GeneDx
Classification: Likely benign. Last evaluated: 2016-04-04. Review status: criteria provided, single submitter. Criteria: GeneDx Variant Classification (06012015). Collection method: clinical testing. Allele origin: germline. Affected: yes.
Comment: This variant is considered likely benign or benign based on one or more of the following criteria: it is a conservative change, it occurs at a poorly conserved position in the protein, it is predicted to be benign by multiple in silico algorithms, and/or has population frequency not consistent with disease.

NM_004360.5(CDH1):c.2440-16G>T

Gene: CDH1 (cadherin 1; plus strand). Cytogenetic location: 16q22.1.
Variant type: single nucleotide variant.
Coding change: c.2440-16G>T on transcript NM_004360.5 (MANE Select); 16 bases into the intron before coding-DNA position 2440, G replaced by T.
Molecular consequence: intron variant.
Genome position (GRCh38, 1-based): chr16:68,833,274, G>T. VCF-style: chr16-68833274-G-T. GRCh37 (hg19) VCF-style: chr16-68867177-G-T.
Other names: c.2440-16G>T (LRG_301t1); c.892-16G>T (NM_001317185.2); c.475-16G>T (NM_001317186.2); c.2257-16G>T (NM_001317184.2).
Identifiers: ClinVar variation 380199 (VCV000380199.12), dbSNP rs745826347, ClinGen allele CA8130292.